The following is an entry in ClinVar:

ClinVar aggregate classification (germline): Conflicting classifications of pathogenicity. Review status: criteria provided, conflicting classifications (1 of 4 stars). 2 submissions from 1 submitter: Uncertain significance (1); Likely benign (1). Last evaluated 2018-01-13.

Conditions:
Muscular dystrophy-dystroglycanopathy (congenital with brain and eye anomalies), type A, 4 (MDDGA4). Also called: WALKER-WARBURG SYNDROME OR MUSCLE-EYE-BRAIN DISEASE, FKTN-RELATED; Walker-Warburg Syndrome, Fktn-Related; Congenital muscular dystrophy-dystroglycanopathy with brain and eye anomalies, type A4; Muscular dystrophy, congenital progressive, with mental retardation; Muscular dystrophy, congenital, with central nervous system involvement; Cerebromuscular dystrophy, Fukuyama type. Identifiers: Orphanet 272, Orphanet 588, Orphanet 899, MedGen C0410174, MONDO:0009678, OMIM 253800.
Dilated cardiomyopathy 1X (CMD1X). Also called: FKTN-Related Dilated Cardiomyopathy; CARDIOMYOPATHY, DILATED, WITH MILD OR NO PROXIMAL MUSCLE WEAKNESS. Identifiers: Orphanet 154, MedGen C1969024, MONDO:0012704, OMIM 611615.

Allele frequency attached by ClinVar (database versions not stated): gnomAD exomes 0.00011; gnomAD 0.00204; TOPMed 0.00402; 1000 Genomes Project 0.00499; 1000 Genomes Project 30x 0.00531.
gnomAD v4.1: 454 of 954,880 alleles (0.048%); highest among the groups gnomAD compares: Admixed American, 1.6%; 6 homozygotes.

Submissions (2):

Illumina Laboratory Services, Illumina
Classification: Likely benign for Muscular dystrophy-dystroglycanopathy (congenital with brain and eye anomalies), type A, 4. Last evaluated: 2018-01-13. Review status: criteria provided, single submitter. Criteria: ICSL Variant Classification Criteria 13 December 2019. Collection method: clinical testing. Allele origin: germline.
Comment: This variant was observed in the ICSL laboratory as part of a predisposition screen in an ostensibly healthy population. It had not been previously curated by ICSL or reported in the Human Gene Mutation Database (HGMD: prior to June 1st, 2018), and was therefore a candidate for classification through an automated scoring system. Utilizing variant allele frequency, disease prevalence and penetrance estimates, and inheritance mode, an automated score was calculated to assess if this variant is too frequent to cause the disease. Based on the score and internal cut-off values, a variant classified as likely benign is not then subjected to further curation. The score for this variant resulted in a classification of likely benign for this disease.

Illumina Laboratory Services, Illumina
Classification: Uncertain significance for Dilated cardiomyopathy 1X. Last evaluated: 2018-01-13. Review status: criteria provided, single submitter. Criteria: ICSL Variant Classification Criteria 13 December 2019. Collection method: clinical testing. Allele origin: germline.

NM_001079802.2(FKTN):c.*1018T>A

Gene: FKTN (fukutin; plus strand). Cytogenetic location: 9q31.2.
Variant type: single nucleotide variant.
Coding change: c.*1018T>A on transcript NM_001079802.2 (MANE Select); 1018 bases downstream of the stop codon, T replaced by A.
Molecular consequence: 3 prime UTR variant. On other transcripts: non-coding transcript variant (2), intron variant (1).
Genome position (GRCh38, 1-based): chr9:105,636,282, T>A. VCF-style: chr9-105636282-T-A. GRCh37 (hg19) VCF-style: chr9-108398563-T-A.
Other names: c.*1018T>A (NM_001351496.2, NM_001351497.2, NM_001351499.2 and 4 more transcripts); c.*1196T>A (NM_001351498.2); c.1270+1134T>A (NM_001198963.2).
Identifiers: ClinVar variation 364497 (VCV000364497.5), dbSNP rs16924759, ClinGen allele CA10631988.